The following is an entry in ClinVar:

NM_030912.3(TRIM8):c.685A>C (p.Lys229Gln)

Gene: TRIM8 (tripartite motif containing 8; plus strand). Cytogenetic location: 10q24.32.
Variant type: single nucleotide variant.
Coding change: c.685A>C on transcript NM_030912.3 (MANE Select); coding-DNA position 685, A replaced by C.
Protein change: p.Lys229Gln; replaces lysine 229 with glutamine.
Molecular consequence: missense variant. On other transcripts: non-coding transcript variant (1).
Genome position (GRCh38, 1-based): chr10:102,655,098, A>C. VCF-style: chr10-102655098-A-C. GRCh37 (hg19) VCF-style: chr10-104414855-A-C.
Other names: c.589A>C, p.Lys197Gln (NM_001345950.1); short protein forms K197Q, K229Q.
Identifiers: ClinVar variation 2020619 (VCV002020619.4), dbSNP rs2492909009, ClinGen allele CA377928855.
Genomic context (GRCh38, chr10:102,655,098, plus strand): 5'-AGTGCTTACCTGCCTGCCCACTCCTGCCCTCTGTACTCGCAGGAGAAAGTGAACCAACTG[A>C]AGGAGGAAGTTCGGCTGCAGTACGAGAAGCTGCACCAGCTGCTGGACGAGGACCTGCGGC-3'
Protein context (NP_112174.2, residues 219-239): RLVEEKVNQL[Lys229Gln]EEVRLQYEKL

ClinVar aggregate classification (germline): Uncertain significance (1 of 4 stars; one submission).

Allele frequency attached by ClinVar (database versions not stated): gnomAD exomes below 0.00001.
gnomAD v4.1: 1 of 1,612,814 alleles (0.000062%); highest among the groups gnomAD compares: Non-Finnish European, 0.000085%; no homozygotes.

Submission:

Labcorp Genetics (formerly Invitae), Labcorp
Classification: Uncertain significance. Last evaluated: 2022-07-30. Review status: criteria provided, single submitter. Criteria: Invitae Variant Classification Sherloc (09022015). Collection method: clinical testing. Allele origin: germline.
Comment: In summary, the available evidence is currently insufficient to determine the role of this variant in disease. Therefore, it has been classified as a Variant of Uncertain Significance. This sequence change replaces lysine, which is basic and polar, with glutamine, which is neutral and polar, at codon 229 of the TRIM8 protein (p.Lys229Gln). This variant is not present in population databases (gnomAD no frequency). This variant has not been reported in the literature in individuals affected with TRIM8-related conditions. Algorithms developed to predict the effect of missense changes on protein structure and function are either unavailable or do not agree on the potential impact of this missense change (SIFT: "Deleterious"; PolyPhen-2: "Benign"; Align-GVGD: "Class C45").